The following is an entry in ClinVar:

NM_000059.4(BRCA2):c.8978_8991del (p.Ser2993fs)

Gene: BRCA2 (BRCA2 DNA repair associated; plus strand). Cytogenetic location: 13q13.1.
Variant type: Deletion.
Coding change: c.8978_8991del on transcript NM_000059.4 (MANE Select); coding-DNA positions 8978 to 8991, 14 bases deleted (CATCAGATTTATAT).
Protein change: p.Ser2993fs; shifts the reading frame from serine 2993.
Molecular consequence: frameshift variant.
Genome position (GRCh38, 1-based): chr13:32,379,774-32,379,787, CATCAGATTTATAT deleted; deleting any 14 consecutive bases within chr13:32,379,772-32,379,787 gives the same sequence; the c. name uses the placement nearest the transcript's 3' end. VCF-style (leftmost placement, unchanged base first): chr13-32379771-CATCATCAGATTTAT-C. GRCh37 (hg19) VCF-style: chr13-32953908-CATCATCAGATTTAT-C.
Other names: 9206del14; c.8978_8991del14 (NM_000059.3).
Identifiers: ClinVar variation 52718 (VCV000052718.12), dbSNP rs397508026, ClinGen allele CA025907.

ClinVar aggregate classification (germline): Pathogenic. Review status: reviewed by expert panel (3 of 4 stars). 5 submissions from 5 submitters: Pathogenic (1). 4 of the submissions do not count toward it. Last evaluated 2016-10-18.

Conditions:
Hereditary cancer-predisposing syndrome. Also called: Neoplastic Syndromes, Hereditary; Tumor predisposition; Hereditary neoplastic syndrome; Hereditary Cancer Syndrome. Identifiers: Orphanet 140162, MedGen C0027672, MeSH D009386, MONDO:0015356.
Breast-ovarian cancer, familial, susceptibility to, 2 (BROVCA2). Also called: BRCA2 Hereditary Breast and Ovarian Cancer. Identifiers: Orphanet 145, MedGen C2675520, MONDO:0012933, OMIM 612555. Disease mechanism: loss of function.

Submissions (5):

Evidence-based Network for the Interpretation of Germline Mutant Alleles (ENIGMA)
Classification: Pathogenic for Breast-ovarian cancer, familial, susceptibility to, 2. Last evaluated: 2016-10-18. Review status: reviewed by expert panel. Criteria: ENIGMA BRCA1/2 Classification Criteria (2015). Collection method: curation. Allele origin: germline.
Comment: Variant allele predicted to encode a truncated non-functional protein.

Center for Genomic Medicine, Rigshospitalet, Copenhagen University Hospital
Classification: Pathogenic. Last evaluated: 2025-12-29. Review status: criteria provided, single submitter. Criteria: ACMG Guidelines, 2015. Collection method: clinical testing. Allele origin: germline. Not counted in ClinVar's aggregate classification.

Ambry Genetics
Classification: Pathogenic for Hereditary cancer-predisposing syndrome. Last evaluated: 2021-12-01. Review status: criteria provided, single submitter. Criteria: Ambry Variant Classification Scheme 2023. Collection method: clinical testing. Allele origin: germline. Not counted in ClinVar's aggregate classification.
Comment: The c.8978_8991del14 pathogenic mutation, located in coding exon 22 of the BRCA2 gene, results from a deletion of 14 nucleotides at nucleotide positions 8978 to 8991, causing a translational frameshift with a predicted alternate stop codon (p.S2993Ffs*20). This alteration was identified in a Spanish breast and/or ovarian cancer family (D&iacute;ez O et al. Hum Mutat, 2003 Oct;22:301-12). This alteration was also identified in a large, worldwide study of BRCA1/2 mutation positive families (Rebbeck TR et al. Hum Mutat, 2018 05;39:593-620). This variant is considered to be rare based on population cohorts in the Genome Aggregation Database (gnomAD). Of note, this alteration is also designated as 9206_9219del14 in published literature. In addition to the clinical data presented in the literature, this alteration is expected to result in loss of function by premature protein truncation or nonsense-mediated mRNA decay. As such, this alteration is interpreted as a disease-causing mutation.

Color Diagnostics, LLC DBA Color Health
Classification: Pathogenic for Hereditary cancer-predisposing syndrome. Last evaluated: 2021-07-26. Review status: criteria provided, single submitter. Criteria: ACMG Guidelines, 2015. Collection method: clinical testing. Allele origin: germline. Not counted in ClinVar's aggregate classification.
Comment: This variant deletes 14 nucleotides in exon 23 of the BRCA2 gene, creating a frameshift and premature translation stop signal. This variant is also known as 9204_9217del14 and 9206_9219del14 in the literature. This variant is expected to result in an absent or non-functional protein product. To our knowledge, functional studies have not been reported for this variant. This variant has been reported in over 10 individuals and families affected with breast and/or ovarian cancer (PMID: 12955716, 14517958, 19941167, 20033483, 21918853, 23479189, 26026974), and it has been described as a recurrent mutation in the Spanish population (PMID: 23479189, 32073954). This variant has not been identified in the general population by the Genome Aggregation Database (gnomAD). Loss of BRCA2 function is a known mechanism of disease. Based on the available evidence, this variant is classified as Pathogenic.

Consortium of Investigators of Modifiers of BRCA1/2 (CIMBA), c/o University of Cambridge
Classification: Pathogenic for Breast-ovarian cancer, familial, susceptibility to, 2. Last evaluated: 2015-10-02. Review status: criteria provided, single submitter. Criteria: CIMBA Mutation Classification guidelines May 2016. Collection method: clinical testing. Allele origin: germline. Not counted in ClinVar's aggregate classification.

Literature cited by the submitters: PubMed 21918853 (cited by Center for Genomic Medicine, Rigshospitalet, Copenhagen University Hospital and Color Diagnostics, LLC DBA Color Health); PubMed 12955716 (cited by Ambry Genetics and Color Diagnostics, LLC DBA Color Health); PubMed 29446198 (cited by Ambry Genetics); PubMed 14517958 (cited by Color Diagnostics, LLC DBA Color Health); PubMed 19941167 (cited by Color Diagnostics, LLC DBA Color Health); PubMed 20033483 (cited by Color Diagnostics, LLC DBA Color Health); PubMed 23479189 (cited by Color Diagnostics, LLC DBA Color Health); PubMed 26026974 (cited by Color Diagnostics, LLC DBA Color Health); PubMed 32073954 (cited by Color Diagnostics, LLC DBA Color Health).